The following is an entry in ClinVar:

ClinVar aggregate classification (germline): Uncertain significance (1 of 4 stars; one submission).

gnomAD v4.1: 2 of 1,551,914 alleles (0.00013%); highest among the groups gnomAD compares: East Asian, 0.0049%; no homozygotes.

Submission:

GeneDx
Classification: Uncertain significance. Last evaluated: 2025-04-21. Review status: criteria provided, single submitter. Criteria: GeneDx Variant Classification Process June 2021. Collection method: clinical testing. Allele origin: germline. Affected: yes.
Comment: In silico analysis indicates that this variant does not alter splicing; Has not been previously published as pathogenic or benign to our knowledge; No data available from [ethnically-matched] control populations to assess the frequency of this variant

NM_012208.4(HARS2):c.84C>T (p.Thr28=)

Genes: HARS2 (histidyl-tRNA synthetase 2, mitochondrial; plus strand), LOC119407423 (HARS1 and HARS2 bidirectional promoter region; plus strand). Cytogenetic location: 5q31.3.
Variant type: single nucleotide variant.
Coding change: c.84C>T on transcript NM_012208.4 (MANE Select); coding-DNA position 84, C replaced by T.
Protein change: p.Thr28=; no amino-acid change (threonine 28 retained).
Molecular consequence: synonymous variant. On other transcripts: 5 prime UTR variant (1), intron variant (1).
Genome position (GRCh38, 1-based): chr5:140,691,732, C>T. VCF-style: chr5-140691732-C-T. GRCh37 (hg19) VCF-style: chr5-140071317-C-T.
Other names: c.84C>T, p.Thr28= (NM_001278731.2, NM_001363535.2); c.-227C>T (NM_001278732.2); c.-325-63C>T (NM_001363536.2).
Identifiers: ClinVar variation 4527108 (VCV004527108.1).